The following is an entry in ClinVar:

GRCh37/hg19 16p13.3(chr16:2112698-2118833)

Genes: PKD1 (polycystin 1, transient receptor potential channel interacting; minus strand), TSC2 (TSC complex subunit 2; plus strand). Cytogenetic location: 16p13.3.
Variant type: copy number loss.
Identifiers: ClinVar variation 830073 (VCV000830073.1).

ClinVar aggregate classification (germline): Pathogenic (1 of 4 stars; one submission).

Conditions:
Polycystic kidney disease, adult type (PKD1). Also called: Polycystic Kidney, Autosomal Dominant; POLYCYSTIC KIDNEY DISEASE, ADULT, TYPE I; Polycystic Kidney Disease 1, Autosomal Dominant; Polycystic kidney disease 1; Polycystic kidney disease 1, severe; POLYCYSTIC KIDNEY DISEASE 1 WITH OR WITHOUT POLYCYSTIC LIVER DISEASE. Identifiers: MedGen C3149841, MONDO:0008263, OMIM 173900.

Submission:

Cavalleri Lab, Royal College of Surgeons in Ireland
Classification: Pathogenic for Polycystic kidney disease, adult type. Last evaluated: 2020-02-05. Review status: criteria provided, single submitter. Criteria: ACMG/ClinGen CNV Guidelines, 2019. Collection method: research. Allele origin: unknown. Inheritance: Autosomal dominant inheritance. Affected: yes.
Comment: Large deletion within PKD1 (exact coordinates not clear), not observed in healthy control populations, good phenotypic fit for patient